The following is an entry in ClinVar:

ClinVar aggregate classification (germline): Pathogenic/Likely pathogenic. Review status: criteria provided, multiple submitters, no conflicts (2 of 4 stars). 2 submissions from 2 submitters: Pathogenic (1); Likely pathogenic (1). Last evaluated 2020-06-05.

Conditions:
FBN1-related disorder. Also called: FBN1-related disorders.

Submissions (2):

GeneDx
Classification: Pathogenic. Last evaluated: 2020-06-05. Review status: criteria provided, single submitter. Criteria: GeneDx Variant Classification Process June 2021. Collection method: clinical testing. Allele origin: germline. Affected: yes.
Comment: Has not been previously published as pathogenic or benign to our knowledge; Not observed in large population cohorts (Lek et al., 2016); Frameshift variant predicted to result in protein truncation or nonsense mediated decay in a gene for which loss-of-function is a known mechanism of disease; This variant is associated with the following publications: (PMID: 27906200)

Blueprint Genetics
Classification: Likely pathogenic for FBN1-related disorders. Last evaluated: 2019-02-25. Review status: criteria provided, single submitter. Criteria: ACMG Guidelines, 2015. Collection method: clinical testing. Allele origin: germline. Affected: yes. Observed: 1 variant allele.

NM_000138.5(FBN1):c.6119_6120del (p.Cys2040fs)

Gene: FBN1 (fibrillin 1; minus strand). Cytogenetic location: 15q21.1.
Variant type: Microsatellite.
Coding change: c.6119_6120del on transcript NM_000138.5 (MANE Select); coding-DNA positions 6119 to 6120, 2 bases deleted (GT; older notation c.6119_6120delGT).
Protein change: p.Cys2040fs; shifts the reading frame from cysteine 2040.
Molecular consequence: frameshift variant.
Genome position (GRCh38, 1-based): chr15:48,441,764-48,441,765, AC deleted on the plus strand (GT on the coding strand, the reverse complement: FBN1 is on the minus strand); deleting any 2 consecutive bases within chr15:48,441,764-48,441,768 gives the same sequence; the c. name uses the placement nearest the transcript's 3' end. VCF-style (leftmost placement, unchanged base first): chr15-48441763-GAC-G. GRCh37 (hg19) VCF-style: chr15-48733960-GAC-G.
Other names: c.6119_6120delGT (NM_000138.4); short protein forms C2040fs.
Identifiers: ClinVar variation 372554 (VCV000372554.3), dbSNP rs1057517851, ClinGen allele CA16042960.